The following is an entry in ClinVar:

ClinVar aggregate classification (germline): Uncertain significance. Review status: criteria provided, multiple submitters, no conflicts (2 of 4 stars). 2 submissions from 2 submitters: Uncertain significance (2). Last evaluated 2026-02-22.

Conditions:
Inborn genetic diseases. Identifiers: MedGen C0950123, MeSH D030342.
Baller-Gerold syndrome (BGS). Also called: CRANIOSYNOSTOSIS WITH RADIAL DEFECTS. Identifiers: Orphanet 1225, MedGen C0265308, MONDO:0009039, OMIM 218600.

Submissions (2):

Ambry Genetics
Classification: Uncertain significance for Inborn genetic diseases. Last evaluated: 2026-02-22. Review status: criteria provided, single submitter. Criteria: Ambry Variant Classification Scheme 2023. Collection method: clinical testing. Allele origin: germline.
Comment: The p.E606K variant (also known as c.1816G>A), located in coding exon 11 of the RECQL4 gene, results from a G to A substitution at nucleotide position 1816. The glutamic acid at codon 606 is replaced by lysine, an amino acid with similar properties. This amino acid position is conserved. In addition, this alteration is predicted to be deleterious by in silico analysis. Based on the available evidence, the clinical significance of this variant remains unclear.

Labcorp Genetics (formerly Invitae), Labcorp
Classification: Uncertain significance for Baller-Gerold syndrome. Last evaluated: 2020-11-25. Review status: criteria provided, single submitter. Criteria: Invitae Variant Classification Sherloc (09022015). Collection method: clinical testing. Allele origin: germline.
Comment: This sequence change replaces glutamic acid with lysine at codon 606 of the RECQL4 protein (p.Glu606Lys). The glutamic acid residue is highly conserved and there is a small physicochemical difference between glutamic acid and lysine. This variant is not present in population databases (ExAC no frequency). This variant has not been reported in the literature in individuals with RECQL4-related conditions. Experimental studies and prediction algorithms are not available or were not evaluated, and the functional significance of this variant is currently unknown. In summary, the available evidence is currently insufficient to determine the role of this variant in disease. Therefore, it has been classified as a Variant of Uncertain Significance.

NM_004260.4(RECQL4):c.1816G>A (p.Glu606Lys)

Gene: RECQL4 (RecQ like helicase 4; minus strand). Cytogenetic location: 8q24.3.
Variant type: single nucleotide variant.
Coding change: c.1816G>A on transcript NM_004260.4 (MANE Select); coding-DNA position 1816, G replaced by A.
Protein change: p.Glu606Lys; replaces glutamic acid 606 with lysine.
Molecular consequence: missense variant.
Genome position (GRCh38, 1-based): chr8:144,514,251, C>T on the plus strand (G>A on the coding strand, the complement: RECQL4 is on the minus strand). VCF-style: chr8-144514251-C-T. GRCh37 (hg19) VCF-style: chr8-145739635-C-T.
Other names: c.1816G>A (NM_004260.3); short protein forms E606K.
Identifiers: ClinVar variation 1429412 (VCV001429412.7), dbSNP rs878854644, ClinGen allele CA372680823.
Genomic context (GRCh38, chr8:144,514,251, plus strand): 5'-TGCAGACGCGCAGGTAGCAGGGCCGGAAGTTGTGGGACCACTGGGAGAGGCAGTGGGCCT[C>T]ATCAATGCAGGCAAAAGCAACTGGAGGCAGCTGTGCGGCTGGAGGGAGGCCTCCCGCCCC-3'
Protein context (NP_004251.4, residues 596-616): LPPVAFACID[Glu606Lys]AHCLSQWSHN